The following is an entry in ClinVar:

ClinVar aggregate classification (germline): Uncertain significance (1 of 4 stars; one submission).

Allele frequency attached by ClinVar (database versions not stated): gnomAD exomes 0.00001.
gnomAD v4.1: 5 of 1,614,170 alleles (0.00031%); highest among the groups gnomAD compares: Admixed American, 0.005%; no homozygotes.

Submission:

Labcorp Genetics (formerly Invitae), Labcorp
Classification: Uncertain significance. Last evaluated: 2023-08-02. Review status: criteria provided, single submitter. Criteria: Invitae Variant Classification Sherloc (09022015). Collection method: clinical testing. Allele origin: germline.
Comment: In summary, the available evidence is currently insufficient to determine the role of this variant in disease. Therefore, it has been classified as a Variant of Uncertain Significance. Advanced modeling of protein sequence and biophysical properties (such as structural, functional, and spatial information, amino acid conservation, physicochemical variation, residue mobility, and thermodynamic stability) performed at Invitae indicates that this missense variant is not expected to disrupt ROR1 protein function. This variant has not been reported in the literature in individuals affected with ROR1-related conditions. This variant is present in population databases (no rsID available, gnomAD 0.003%). This sequence change replaces asparagine, which is neutral and polar, with serine, which is neutral and polar, at codon 295 of the ROR1 protein (p.Asn295Ser).

NM_005012.4(ROR1):c.884A>G (p.Asn295Ser)

Gene: ROR1 (receptor tyrosine kinase like orphan receptor 1; plus strand). Cytogenetic location: 1p31.3.
Variant type: single nucleotide variant.
Coding change: c.884A>G on transcript NM_005012.4 (MANE Select); coding-DNA position 884, A replaced by G.
Protein change: p.Asn295Ser; replaces asparagine 295 with serine.
Molecular consequence: missense variant.
Genome position (GRCh38, 1-based): chr1:64,140,382, A>G. VCF-style: chr1-64140382-A-G. GRCh37 (hg19) VCF-style: chr1-64606065-A-G.
Other names: c.884A>G, p.Asn295Ser (NM_001083592.2); short protein forms N295S.
Identifiers: ClinVar variation 2976573 (VCV002976573.3), dbSNP rs1220206919, ClinGen allele CA340647456.
Genomic context (GRCh38, chr1:64,140,382, plus strand): 5'-TGAGGCTGAAACTGCCAAACTGTGAAGATCTCCCCCAGCCAGAGAGCCCAGAAGCTGCGA[A>G]CTGTATCCGGATTGGAATTCCCATGGCAGATCCTATAAATAAAAGTAAGTGGTAGCCCCT-3'
Protein context (NP_005003.2, residues 285-305): LPQPESPEAA[Asn295Ser]CIRIGIPMAD